The following is an entry in ClinVar:

ClinVar aggregate classification (germline): Uncertain significance. Review status: criteria provided, multiple submitters, no conflicts (2 of 4 stars). 2 submissions from 2 submitters: Uncertain significance (2). Last evaluated 2024-08-20.

Conditions:
Inborn genetic diseases. Identifiers: MedGen C0950123, MeSH D030342.

Allele frequency attached by ClinVar (database versions not stated): gnomAD exomes below 0.00001.
gnomAD v4.1: 2 of 1,614,046 alleles (0.00012%); highest among the groups gnomAD compares: South Asian, 0.0022%; no homozygotes.

Submissions (2):

Ambry Genetics
Classification: Uncertain significance for Inborn genetic diseases. Last evaluated: 2024-08-20. Review status: criteria provided, single submitter. Criteria: Ambry Variant Classification Scheme 2023. Collection method: clinical testing. Allele origin: germline.

Labcorp Genetics (formerly Invitae), Labcorp
Classification: Uncertain significance. Last evaluated: 2023-11-13. Review status: criteria provided, single submitter. Criteria: Invitae Variant Classification Sherloc (09022015). Collection method: clinical testing. Allele origin: germline.
Comment: This sequence change replaces threonine, which is neutral and polar, with isoleucine, which is neutral and non-polar, at codon 1778 of the VCAN protein (p.Thr1778Ile). This variant is present in population databases (no rsID available, gnomAD 0.003%). This variant has not been reported in the literature in individuals affected with VCAN-related conditions. An algorithm developed to predict the effect of missense changes on protein structure and function (PolyPhen-2) suggests that this variant is likely to be tolerated. In summary, the available evidence is currently insufficient to determine the role of this variant in disease. Therefore, it has been classified as a Variant of Uncertain Significance.

NM_004385.5(VCAN):c.5333C>T (p.Thr1778Ile)

Genes: VCAN (versican; plus strand), VCAN-AS1 (VCAN antisense RNA 1; minus strand). Cytogenetic location: 5q14.3.
Variant type: single nucleotide variant.
Coding change: c.5333C>T on transcript NM_004385.5 (MANE Select); coding-DNA position 5333, C replaced by T.
Protein change: p.Thr1778Ile; replaces threonine 1778 with isoleucine.
Molecular consequence: missense variant. On other transcripts: intron variant (2).
Genome position (GRCh38, 1-based): chr5:83,538,336, C>T. VCF-style: chr5-83538336-C-T. GRCh37 (hg19) VCF-style: chr5-82834155-C-T.
Other names: c.5333C>T (NM_004385.4); c.2372C>T, p.Thr791Ile (NM_001164097.2); c.4004-7201C>T (NM_001164098.2); c.1043-7201C>T (NM_001126336.3); short protein forms T1778I, T791I.
Identifiers: ClinVar variation 2824474 (VCV002824474.4), dbSNP rs1344714550, ClinGen allele CA360310182.
Genomic context (GRCh38, chr5:83,538,336, plus strand): 5'-GTCCAAATGTAGCTACATCTAGTGATTCAGGTACCAGGAAAAGTTTTATGTCCTTGACAA[C>T]ACCAACACAGTCTGAAAGGGAAATGACAGATTCTACTCCTGTCTTTACAGAAACAAATAC-3'
Protein context (NP_004376.2, residues 1768-1788): GTRKSFMSLT[Thr1778Ile]PTQSEREMTD